The following is an entry in ClinVar:

NM_006648.4(WNK2):c.574G>A (p.Gly192Ser)

Gene: WNK2 (WNK lysine deficient protein kinase 2; plus strand). Cytogenetic location: 9q22.31.
Variant type: single nucleotide variant.
Coding change: c.574G>A on transcript NM_006648.4 (MANE Select); coding-DNA position 574, G replaced by A.
Protein change: p.Gly192Ser; replaces glycine 192 with serine.
Molecular consequence: missense variant.
Genome position (GRCh38, 1-based): chr9:93,185,503, G>A. VCF-style: chr9-93185503-G-A. GRCh37 (hg19) VCF-style: chr9-95947785-G-A.
Other names: c.574G>A, p.Gly192Ser (NM_001282394.3); short protein forms G192S.
Identifiers: ClinVar variation 4605193 (VCV004605193.1).
Genomic context (GRCh38, chr9:93,185,503, plus strand): 5'-GAGCCCGAAGAGGAGGAGGACGACGAGGACGACCTCAAGGCCGTGGCCACCTCTCTGGAC[G>A]GCCGCTTCCTCAAGTTCGACATCGAGCTGGGCCGCGGTTCCTTCAAGACGGTCTACAAGG-3'
Protein context (NP_006639.3, residues 182-202): DLKAVATSLD[Gly192Ser]RFLKFDIELG

ClinVar aggregate classification (germline): Uncertain significance (1 of 4 stars; one submission).

gnomAD v4.1: 2 of 1,612,898 alleles (0.00012%); highest among the groups gnomAD compares: Non-Finnish European, 0.00017%; no homozygotes.

Submission:

Ambry Genetics
Classification: Uncertain significance. Last evaluated: 2025-09-26. Review status: criteria provided, single submitter. Criteria: Ambry Variant Classification Scheme 2023. Collection method: clinical testing. Allele origin: germline.
Comment: The p.G192S variant (also known as c.574G>A), located in coding exon 1 of the WNK2 gene, results from a G to A substitution at nucleotide position 574. The glycine at codon 192 is replaced by serine, an amino acid with similar properties. This amino acid position is conserved. In addition, the in silico prediction for this alteration is inconclusive. Based on the available evidence, the clinical significance of this variant remains unclear.